The following is an entry in ClinVar:

ClinVar aggregate classification (germline): Pathogenic (0 of 4 stars; one submission).

Conditions:
Vici syndrome (VICIS). Identifiers: Orphanet 1493, MedGen C1855772, MONDO:0009452, OMIM 242840.

Submission:

Department Of Pediatrics And Neonatology, Nagoya City University Graduate School Of Medical Sciences
Classification: Pathogenic for Vici syndrome. Last evaluated: 2016-08-11. Review status: no assertion criteria provided. Collection method: research. Allele origin: germline. Affected: yes. Observed: 1 variant allele.
Comment: This mutation was confirmed compound geterozygosity.

The mutation was identified with whole-exome sequencing (WES) using Agilent SureSelect V5 probes and Illumina HiSeq 2000 Sequencer.

Literature cited by the submitters: PubMed 28615637; PubMed 3344762; PubMed 21965116.

NM_020964.2(EPG5):c.[1A>G;4108delC]

Variant type: Haplotype.
Identifiers: ClinVar variation 267447 (VCV000267447.5).